The following is an entry in ClinVar:

ClinVar aggregate classification (germline): Likely benign. Review status: criteria provided, multiple submitters, no conflicts (2 of 4 stars). 4 submissions from 4 submitters: Likely benign (3). 1 of the submissions does not count toward it. Last evaluated 2026-01-23.

Conditions:
DNAH1-related disorder. Also called: DNAH1-related condition.
Spermatogenic failure 18. Identifiers: MedGen C4539783, MONDO:0054615, OMIM 617576.
Ciliary dyskinesia, primary, 37 (CILD37). Also called: CILIARY DYSKINESIA, PRIMARY, 37, WITH OR WITHOUT SITUS INVERSUS. Identifiers: MedGen C4539798, MONDO:0033204, OMIM 617577.

Allele frequency attached by ClinVar (database versions not stated): gnomAD exomes 0.00012 and 0.00014; TOPMed 0.00012; gnomAD 0.00014 and 0.00018; ESP Exome Variant Server 0.00016; ExAC 0.00023; 1000 Genomes Project 30x 0.00031; 1000 Genomes Project 0.00040.
gnomAD v4.1: 204 of 1,573,542 alleles (0.013%); highest among the groups gnomAD compares: Middle Eastern, 0.18%; 4 homozygotes.

Submissions (4):

Labcorp Genetics (formerly Invitae), Labcorp
Classification: Likely benign for Ciliary dyskinesia, primary, 37; Spermatogenic failure 18. Last evaluated: 2026-01-23. Review status: criteria provided, single submitter. Criteria: Invitae Variant Classification Sherloc (09022015). Collection method: clinical testing. Allele origin: germline.

Blueprint Genetics
Classification: Likely benign. Last evaluated: 2024-11-06. Review status: criteria provided, single submitter. Criteria: ACMG Guidelines, 2015. Collection method: clinical testing. Allele origin: germline.

CeGaT Center for Human Genetics Tuebingen
Classification: Likely benign. Last evaluated: 2023-03-01. Review status: criteria provided, single submitter. Criteria: CeGaT Center For Human Genetics Tuebingen Variant Classification Criteria Version 2. Collection method: clinical testing. Allele origin: germline. Affected: yes. Observed: 1 variant allele.
Comment: DNAH1: BP4, BP7

PreventionGenetics, part of Exact Sciences
Classification: Benign for DNAH1-related condition. Last evaluated: 2019-03-05. Review status: no assertion criteria provided. Collection method: clinical testing. Allele origin: germline. Not counted in ClinVar's aggregate classification.
Comment: This variant is classified as benign based on ACMG/AMP sequence variant interpretation guidelines (Richards et al. 2015 PMID: 25741868, with internal and published modifications).

NM_015512.5(DNAH1):c.7410C>T (p.His2470=)

Gene: DNAH1 (dynein axonemal heavy chain 1; plus strand). Cytogenetic location: 3p21.1.
Variant type: single nucleotide variant.
Coding change: c.7410C>T on transcript NM_015512.5 (MANE Select); coding-DNA position 7410, C replaced by T.
Protein change: p.His2470=; no amino-acid change (histidine 2470 retained).
Molecular consequence: synonymous variant.
Genome position (GRCh38, 1-based): chr3:52,379,937, C>T. VCF-style: chr3-52379937-C-T. GRCh37 (hg19) VCF-style: chr3-52413953-C-T.
Identifiers: ClinVar variation 478491 (VCV000478491.35), dbSNP rs376198165, ClinGen allele CA2434883.